The following is an entry in ClinVar:

NM_007294.4(BRCA1):c.1059del (p.Glu352_Trp353insTer)

Gene: BRCA1 (BRCA1 DNA repair associated; minus strand). Cytogenetic location: 17q21.31.
Variant type: Deletion.
Coding change: c.1059del on transcript NM_007294.4 (MANE Select); coding-DNA position 1059, one base deleted (G; older notation c.1059delG).
Protein change: p.Glu352_Trp353insTer.
Molecular consequence: nonsense. On other transcripts: intron variant (137).
Genome position (GRCh38, 1-based): chr17:43,094,472, C deleted on the plus strand (G on the coding strand, the reverse complement: BRCA1 is on the minus strand); the first of 2 consecutive C bases (chr17:43,094,472-43,094,473); deleting either gives the same sequence. VCF-style (leftmost placement, unchanged base first): chr17-43094471-TC-T. GRCh37 (hg19) VCF-style: chr17-41246488-TC-T.
Other names: c.1059del, p.Glu352_Trp353insTer (NM_001407616.1, NM_001407617.1, NM_001407618.1 and 30 more transcripts); c.1056del, p.Glu351_Trp352insTer (NM_001407627.1, NM_001407628.1, NM_001407629.1 and 22 more transcripts); c.981del, p.Glu326_Trp327insTer (NM_001407655.1, NM_001407656.1, NM_001407657.1 and 4 more transcripts); c.978del, p.Glu325_Trp326insTer (NM_001407659.1, NM_001407660.1, NM_001407661.1 and 1 more transcripts); c.936del, p.Glu311_Trp312insTer (NM_001407664.1, NM_001407665.1, NM_001407666.1 and 19 more transcripts); c.933del, p.Glu310_Trp311insTer (NM_001407670.1, NM_001407671.1, NM_001407649.1 and 11 more transcripts); c.1050del, p.Glu349_Trp350insTer (NM_001407646.1, NM_001407647.1); c.918del, p.Glu305_Trp306insTer (NM_001407692.1, NM_001407694.1, NM_001407695.1 and 29 more transcripts); and 40 more.
Identifiers: ClinVar variation 3068404 (VCV003068404.1), dbSNP rs2552224377, ClinGen allele CA2825002518.

ClinVar aggregate classification (germline): Pathogenic (1 of 4 stars; one submission).

Conditions:
Breast-ovarian cancer, familial, susceptibility to, 1 (BROVCA1). Also called: BRCA1 Hereditary Breast and Ovarian Cancer; OVARIAN CANCER, SUSCEPTIBILITY TO. Identifiers: Orphanet 145, MedGen C2676676, MONDO:0011450, OMIM 604370. Disease mechanism: loss of function.

Submission:

MVZ Medizinische Genetik Mainz
Classification: Pathogenic for Breast-ovarian cancer, familial, susceptibility to, 1. Last evaluated: 2023-03-09. Review status: criteria provided, single submitter. Criteria: UK Practice Guidelines For Variant Classification V4 01 2020. Collection method: clinical testing. Allele origin: germline. Inheritance: Unknown mechanism. Affected: yes. Observed: 1 variant allele.
Comment: ACMG Criteria: PVS1,PM2_SUP_MOD